The following is an entry in ClinVar:

ClinVar aggregate classification (germline): Likely pathogenic (1 of 4 stars; one submission).

Conditions:
Autosomal recessive limb-girdle muscular dystrophy. Identifiers: Orphanet 102015, MedGen C2931907, MONDO:0015152.

Submission:

Myriad Genetics, Inc.
Classification: Likely pathogenic for Autosomal recessive limb-girdle muscular dystrophy. Last evaluated: 2021-12-27. Review status: criteria provided, single submitter. Criteria: Myriad Autosomal Dominant, Autosomal Recessive and X-Linked Classification Criteria (2023). Collection method: clinical testing. Allele origin: unknown.
Comment: NM_003494.3(DYSF):c.4482C>G(Y1494*) is expected to be pathogenic in the context of dysferlinopathy. This variant is predicted to lead to an abnormal or absent protein product due to the creation of a premature termination codon in DYSF, a gene where loss-of-function variants are known to be pathogenic. Please note: this variant was assessed in the context of healthy population screening.

NM_001130987.2(DYSF):c.4599C>G (p.Tyr1533Ter)

Gene: DYSF (dysferlin; plus strand). Cytogenetic location: 2p13.2.
Variant type: single nucleotide variant.
Coding change: c.4599C>G on transcript NM_001130987.2 (MANE Select); coding-DNA position 4599, C replaced by G.
Protein change: p.Tyr1533Ter; replaces tyrosine 1533 with a stop codon.
Molecular consequence: nonsense.
Genome position (GRCh38, 1-based): chr2:71,644,036, C>G. VCF-style: chr2-71644036-C-G. GRCh37 (hg19) VCF-style: chr2-71871166-C-G.
Other names: c.4485C>G, p.Tyr1495Ter (NM_001130455.2); c.4440C>G, p.Tyr1480Ter (NM_001130976.2); c.4503C>G, p.Tyr1501Ter (NM_001130977.2); c.4545C>G, p.Tyr1515Ter (NM_001130978.2); c.4575C>G, p.Tyr1525Ter (NM_001130979.2); c.4533C>G, p.Tyr1511Ter (NM_001130980.2); c.4596C>G, p.Tyr1532Ter (NM_001130981.2); c.4578C>G, p.Tyr1526Ter (NM_001130982.2); and 5 more; short protein forms Y1480*, Y1481*, Y1494*, Y1495*, Y1501*, Y1502*, Y1511*, Y1512*.
Identifiers: ClinVar variation 1726586 (VCV001726586.3), dbSNP rs2546398668, ClinGen allele CA347218020.